The following is an entry in ClinVar:

ClinVar aggregate classification (germline): Uncertain significance. Review status: criteria provided, multiple submitters, no conflicts (2 of 4 stars). 2 submissions from 2 submitters: Uncertain significance (2). Last evaluated 2022-07-12.

Conditions:
Hypertrophic cardiomyopathy 11. Also called: ACTC1-Related Familial Hypertrophic Cardiomyopathy. Identifiers: MedGen C2677506, MONDO:0012799, OMIM 612098.
Dilated cardiomyopathy 1R (CMD1R). Identifiers: Orphanet 154, Orphanet 54260, MedGen C3150681, MONDO:0013261, OMIM 613424.
Atrial septal defect 5 (ASD5). Identifiers: Orphanet 1478, MedGen C2748552, MONDO:0013011, OMIM 612794.

Submissions (2):

Labcorp Genetics (formerly Invitae), Labcorp
Classification: Uncertain significance for Dilated cardiomyopathy 1R; Hypertrophic cardiomyopathy 11; Atrial septal defect 5. Last evaluated: 2022-07-12. Review status: criteria provided, single submitter. Criteria: Invitae Variant Classification Sherloc (09022015). Collection method: clinical testing. Allele origin: germline.
Comment: ClinVar contains an entry for this variant (Variation ID: 373651). This variant has not been reported in the literature in individuals affected with ACTC1-related conditions. This variant is not present in population databases (gnomAD no frequency). This sequence change replaces glycine, which is neutral and non-polar, with valine, which is neutral and non-polar, at codon 303 of the ACTC1 protein (p.Gly303Val). Algorithms developed to predict the effect of sequence changes on RNA splicing suggest that this variant may create or strengthen a splice site. In summary, the available evidence is currently insufficient to determine the role of this variant in disease. Therefore, it has been classified as a Variant of Uncertain Significance. Algorithms developed to predict the effect of missense changes on protein structure and function (SIFT, PolyPhen-2, Align-GVGD) all suggest that this variant is likely to be disruptive.

GeneDx
Classification: Uncertain significance. Last evaluated: 2016-12-05. Review status: criteria provided, single submitter. Criteria: GeneDx Variant Classification (06012015). Collection method: clinical testing. Allele origin: germline. Affected: yes.
Comment: The G303V variant has not been published as a pathogenic variant, nor has it been reported as a benign variant to our knowledge. It was not observed in approximately 6,500 individuals of European and African American ancestry in the NHLBI Exome Sequencing Project, indicating it is not a common benign variant in these populations. Although the G303V variant is a conservative amino acid substitution, this substitution occurs at a position that is highly conserved across species, and in silico analysis predicts this variant is probably damaging to the protein structure/function. Nonetheless, this variant lacks observation in a significant number of affected individuals, segregation data, and functional evidence, all of which would further clarify pathogenicity.Therefore, based on the currently available information, it is unclear whether this variant is pathogenic or rare benign. This result cannot be interpreted for diagnosis or used for family member screening at this time.

NM_005159.5(ACTC1):c.908G>T (p.Gly303Val)

Genes: GJD2-DT (GJD2 divergent transcript; plus strand), ACTC1 (actin alpha cardiac muscle 1; minus strand). Cytogenetic location: 15q14.
Variant type: single nucleotide variant.
Coding change: c.908G>T on transcript NM_005159.5 (MANE Select); coding-DNA position 908, G replaced by T.
Protein change: p.Gly303Val; replaces glycine 303 with valine.
Molecular consequence: missense variant.
Genome position (GRCh38, 1-based): chr15:34,791,196, C>A on the plus strand (G>T on the coding strand, the complement: ACTC1 is on the minus strand). VCF-style: chr15-34791196-C-A. GRCh37 (hg19) VCF-style: chr15-35083397-C-A.
Other names: c.908G>T (LRG_388t1); short protein forms G303V.
Identifiers: ClinVar variation 373651 (VCV000373651.5), dbSNP rs1057518530, ClinGen allele CA16042981.